The following is an entry in ClinVar:

NM_001035.3(RYR2):c.9655G>A (p.Val3219Met)

Gene: RYR2 (ryanodine receptor 2; plus strand). Cytogenetic location: 1q43.
Variant type: single nucleotide variant.
Coding change: c.9655G>A on transcript NM_001035.3 (MANE Select); coding-DNA position 9655, G replaced by A.
Protein change: p.Val3219Met; replaces valine 3219 with methionine.
Molecular consequence: missense variant.
Genome position (GRCh38, 1-based): chr1:237,707,023, G>A. VCF-style: chr1-237707023-G-A. GRCh37 (hg19) VCF-style: chr1-237870323-G-A.
Other names: p.V3219M:GTG>ATG; short protein forms V3219M.
Identifiers: ClinVar variation 201179 (VCV000201179.61), dbSNP rs371147744, ClinGen allele CA011287.

ClinVar aggregate classification (germline): Conflicting classifications of pathogenicity. Review status: criteria provided, conflicting classifications (1 of 4 stars). 13 submissions from 12 submitters: Uncertain significance (7); Likely benign (6). Last evaluated 2026-04-02.

Conditions:
Catecholaminergic polymorphic ventricular tachycardia (CVPT). Also called: Catecholamine-induced polymorphic ventricular tachycardia. Identifiers: Orphanet 3286, MedGen C5574922, MONDO:0017990.
Cardiovascular phenotype. Identifiers: MedGen CN230736.
Catecholaminergic polymorphic ventricular tachycardia 1. Also called: RYR2-Related Catecholaminergic Polymorphic Ventricular Tachycardia; VENTRICULAR TACHYCARDIA, CATECHOLAMINERGIC POLYMORPHIC, 1, WITH OR WITHOUT ATRIAL DYSFUNCTION AND/OR DILATED CARDIOMYOPATHY; VENTRICULAR TACHYCARDIA, STRESS-INDUCED POLYMORPHIC 1. Identifiers: Orphanet 3286, MedGen C1631597, MONDO:0011484, OMIM 604772.
Cardiomyopathy (CMYO). Also called: Cardiomyopathies. Identifiers: Orphanet 167848, MedGen C0878544, MONDO:0004994, HP:0001638. Inheritance: Various modes of inheritance.
Arrhythmogenic right ventricular dysplasia 2. Identifiers: MedGen C1832931.

Allele frequency attached by ClinVar (database versions not stated): ExAC 0.00007; ESP Exome Variant Server 0.00008; gnomAD exomes 0.00008 and 0.00019; gnomAD 0.00010 and 0.00011; TOPMed 0.00010.
gnomAD v4.1: 305 of 1,613,718 alleles (0.019%); highest among the groups gnomAD compares: Non-Finnish European, 0.023%; no homozygotes.

Submissions (13):

Women's Health and Genetics/Laboratory Corporation of America, LabCorp
Classification: Likely benign. Last evaluated: 2026-04-02. Review status: criteria provided, single submitter. Criteria: LabCorp Variant Classification Summary - May 2015. Collection method: clinical testing. Allele origin: germline.
Comment: Variant summary: RYR2 c.9655G>A (p.Val3219Met) results in a conservative amino acid change in the encoded protein sequence. Algorithms developed to predict the effect of missense changes on protein structure and function all suggest that this variant is likely to be tolerated. The variant allele was found at a frequency of 7.6e-05 in 249136 control chromosomes (gnomAD). The observed variant frequency exceeds the estimated maximal expected allele frequency for disease-causing variants in RYR2. c.9655G>A has been reported in the literature in individuals affected with presyncope and myocarditis (example: Roux-Buisson_2014 and Seidel_2021). These reports do not provide unequivocal conclusions about association of the variant with Cardiomyopathy. To our knowledge, no experimental evidence demonstrating an impact on protein function has been reported. The following publications have been ascertained in the context of this evaluation (PMID: 31568572, 25041964, 34213952, 31402444). ClinVar contains an entry for this variant (Variation ID: 201179). Based on the evidence outlined above, the variant was classified as likely benign.

Labcorp Genetics (formerly Invitae), Labcorp
Classification: Likely benign for Catecholaminergic polymorphic ventricular tachycardia 1. Last evaluated: 2025-11-21. Review status: criteria provided, single submitter. Criteria: Invitae Variant Classification Sherloc (09022015). Collection method: clinical testing. Allele origin: germline.

GeneDx
Classification: Uncertain significance. Last evaluated: 2025-04-25. Review status: criteria provided, single submitter. Criteria: GeneDx Variant Classification Process June 2021. Collection method: clinical testing. Allele origin: germline. Affected: yes.
Comment: In silico analysis indicates that this missense variant does not alter protein structure/function; Reported in one patient meeting borderline criteria for ARVC in published literature (PMID: 25041964); This variant is associated with the following publications: (PMID: 22221940, 11159936, 28237968, 28404607, 18483626, 11208676, 16272262, 28256248, 19926015, 1572740, 31402444, 34725342, 25041964, 31568572, 34213952)

Blueprint Genetics
Classification: Likely benign. Last evaluated: 2024-08-30. Review status: criteria provided, single submitter. Criteria: ACMG Guidelines, 2015. Collection method: clinical testing. Allele origin: germline.

Color Diagnostics, LLC DBA Color Health
Classification: Likely benign for Cardiomyopathy. Last evaluated: 2024-05-03. Review status: criteria provided, single submitter. Criteria: ACMG Guidelines, 2015. Collection method: clinical testing. Allele origin: germline.

CeGaT Center for Human Genetics Tuebingen
Classification: Likely benign. Last evaluated: 2024-03-01. Review status: criteria provided, single submitter. Criteria: CeGaT Center For Human Genetics Tuebingen Variant Classification Criteria Version 2. Collection method: clinical testing. Allele origin: germline. Affected: yes. Observed: 2 variant alleles.
Comment: RYR2: BP4

All of Us Research Program, National Institutes of Health
Classification: Uncertain significance for Catecholaminergic polymorphic ventricular tachycardia. Last evaluated: 2024-02-05. Review status: criteria provided, single submitter. Criteria: ACMG Guidelines, 2015. Collection method: clinical testing. Allele origin: germline. Inheritance: Autosomal dominant inheritance. Observed: 35 variant alleles, 35 heterozygotes.
Comment: This variant is located in the RYR2 protein. Computational prediction suggests that this variant may not impact protein structure and function (internally defined REVEL score threshold <= 0.5, PMID: 27666373). To our knowledge, functional studies have not been reported for this variant. This variant has not been reported in individuals affected with cardiovascular disorders in the literature. This variant has been identified in 21/280528 chromosomes in the general population by the Genome Aggregation Database (gnomAD). The available evidence is insufficient to determine the role of this variant in disease conclusively. Therefore, this variant is classified as a Variant of Uncertain Significance.

This study involves interpretation of variants in research participants for the purpose of population health screening. Participant phenotype was not available at the time of variant classification. Additional details can be found in publication PMID: 35346344, PMCID: PMC8962531

Ambry Genetics
Classification: Uncertain significance for Cardiovascular phenotype. Last evaluated: 2024-02-05. Review status: criteria provided, single submitter. Criteria: Ambry Variant Classification Scheme 2023. Collection method: clinical testing. Allele origin: germline.
Comment: The p.V3219M variant (also known as c.9655G>A), located in coding exon 68 of the RYR2 gene, results from a G to A substitution at nucleotide position 9655. The valine at codon 3219 is replaced by methionine, an amino acid with highly similar properties. This alteration has been reported in a cohort of subjects referred for arrhythmogenic right ventricular cardiomyopathy (ARVC) genetic testing (Roux-Buisson N et al. Heart Rhythm, 2014 Nov;11:1999-2009). This alteration has also been reported in an exome cohort, but cardiovascular history was not provided (Landstrom AP et al. Circ Arrhythm Electrophysiol, 2017 Apr;10). This amino acid position is not well conserved in available vertebrate species. In addition, this alteration is predicted to be tolerated by in silico analysis. Since supporting evidence is limited at this time, the clinical significance of this alteration remains unclear.

CHEO Genetics Diagnostic Laboratory, Children's Hospital of Eastern Ontario
Classification: Uncertain significance for Cardiomyopathy. Last evaluated: 2017-08-24. Review status: criteria provided, single submitter. Criteria: ACMG Guidelines, 2015. Collection method: clinical testing. Allele origin: germline. Study: Canadian Open Genetics Repository.

Illumina Laboratory Services, Illumina
Classification: Likely benign for Catecholaminergic polymorphic ventricular tachycardia 1. Last evaluated: 2017-04-27. Review status: criteria provided, single submitter. Criteria: ICSL Variant Classification Criteria 13 December 2019. Collection method: clinical testing. Allele origin: germline.
Comment: This variant was observed as part of a predisposition screen in an ostensibly healthy population. A literature search was performed for the gene, cDNA change, and amino acid change (where applicable). Publications were found based on this search. The evidence from the literature, in combination with allele frequency data from public databases where available, was sufficient to determine this variant is unlikely to cause disease. Therefore, this variant is classified as likely benign.

Illumina Laboratory Services, Illumina
Classification: Uncertain significance for Catecholaminergic polymorphic ventricular tachycardia 1. Last evaluated: 2017-04-27. Review status: criteria provided, single submitter. Criteria: ICSL Variant Classification Criteria 13 December 2019. Collection method: clinical testing. Allele origin: germline.
Comment: This variant was observed as part of a predisposition screen in an ostensibly healthy population. A literature search was performed for the gene, cDNA change, and amino acid change (where applicable). Publications were found based on this search. However, the evidence from the literature, in combination with allele frequency data from public databases where available, was not sufficient to rule this variant in or out of causing disease. Therefore, this variant is classified as a variant of unknown significance.

Laboratory for Molecular Medicine, Mass General Brigham Personalized Medicine
Classification: Uncertain significance. Last evaluated: 2015-12-03. Review status: criteria provided, single submitter. Criteria: LMM Criteria. Collection method: clinical testing. Allele origin: germline. Observed: 1 variant allele.
Comment: The p.Val3219Met variant in RYR2 has been reported in 1 individual with ARVC (Ro ux-Buisson 2014) and in 5/66632 European chromosomes by the Exome Aggregation Co nsortium (ExAC; dbSNP rrs371147744). Computatio nal prediction tools and conservation analysis suggest that the p.Val3219Met var iant may not impact the protein, though this information is not predictive enoug h to rule out pathogenicity. In summary, the clinical significance of the p.Val3 219Met variant is uncertain.

Stanford Center for Inherited Cardiovascular Disease, Stanford University
Classification: Uncertain significance. Last evaluated: 2011-03-31. Review status: criteria provided, single submitter. Criteria: ACMG Guidelines, 2015. Collection method: provider interpretation. Allele origin: germline.

Literature cited by the submitters: PubMed 25041964 (cited by 4 submitters); PubMed 31402444 (cited by Women's Health and Genetics/Laboratory Corporation of America, LabCorp and Ambry Genetics); PubMed 31568572 (cited by Women's Health and Genetics/Laboratory Corporation of America, LabCorp and Ambry Genetics); PubMed 34213952 (cited by Women's Health and Genetics/Laboratory Corporation of America, LabCorp); PubMed 28404607 (cited by Ambry Genetics); PubMed 37904629 (cited by Ambry Genetics).